The following is an entry in ClinVar:

ClinVar aggregate classification (germline): Uncertain significance (1 of 4 stars; one submission).

Conditions:
MC4R-related disorder. Also called: MC4R-related condition.

Submission:

PreventionGenetics, part of Exact Sciences
Classification: Uncertain significance for MC4R-related condition. Last evaluated: 2026-05-29. Review status: criteria provided, single submitter. Criteria: ACMG Guidelines, 2015. Collection method: clinical testing. Allele origin: germline.
Comment: The MC4R c.625G>C variant is predicted to result in the amino acid substitution p.Ala209Pro. To our knowledge, this variant has not been reported in the literature or in a large population database (gnomAD), indicating this variant is rare. At this time, the clinical significance of this variant is uncertain due to the absence of conclusive functional and genetic evidence.

NM_005912.3(MC4R):c.625G>C (p.Ala209Pro)

Gene: MC4R (melanocortin 4 receptor; minus strand). Cytogenetic location: 18q21.32.
Variant type: single nucleotide variant.
Coding change: c.625G>C on transcript NM_005912.3 (MANE Select); coding-DNA position 625, G replaced by C.
Protein change: p.Ala209Pro; replaces alanine 209 with proline.
Molecular consequence: missense variant.
Genome position (GRCh38, 1-based): chr18:60,371,725, C>G on the plus strand (G>C on the coding strand, the complement: MC4R is on the minus strand). VCF-style: chr18-60371725-C-G. GRCh37 (hg19) VCF-style: chr18-58038958-C-G.
Other names: short protein forms A209P.
Identifiers: ClinVar variation 4991841 (VCV004991841.1).
Genomic context (GRCh38, chr18:60,371,725, plus strand): 5'-GGACAGCAATCCTCTTAATGTGAAGCCTGGCCATCAGGAACATGTGGACATAGAGAGAAG[C>G]CATGAGAGCCAGCATGGTGAAGAACATGGTGATGAGGCAGATGATGACAGCACTACTATC-3'
Protein context (NP_005903.2, residues 199-219): TMFFTMLALM[Ala209Pro]SLYVHMFLMA